The following is an entry in ClinVar:

ClinVar aggregate classification (germline): Uncertain significance. Review status: criteria provided, single submitter (1 of 4 stars). 2 submissions from 2 submitters: Uncertain significance (1). 1 of the submissions does not count toward it. Last evaluated 2024-12-06.

Conditions:
FRAS1-related disorder. Also called: FRAS1-related condition.

gnomAD v4.1: 21 of 1,613,806 alleles (0.0013%); highest among the groups gnomAD compares: Admixed American, 0.0033%; no homozygotes.

Submissions (2):

Women's Health and Genetics/Laboratory Corporation of America, LabCorp
Classification: Uncertain significance. Last evaluated: 2024-12-06. Review status: criteria provided, single submitter. Criteria: LabCorp Variant Classification Summary - May 2015. Collection method: clinical testing. Allele origin: germline.
Comment: Variant summary: FRAS1 c.3443A>G (p.Asn1148Ser) results in a conservative amino acid change located in the CSPG repeat profile domain (IPR039005) of the encoded protein sequence. Four of five in-silico tools predict a damaging effect of the variant on protein function. The variant allele was found at a frequency of 2e-05 in 248926 control chromosomes. The available data on variant occurrences in the general population are insufficient to allow any conclusion about variant significance. To our knowledge, no occurrence of c.3443A>G in individuals affected with Cryptophthalmos Syndrome and no experimental evidence demonstrating its impact on protein function have been reported. ClinVar contains an entry for this variant (Variation ID: 3351217). Based on the evidence outlined above, the variant was classified as uncertain significance.

PreventionGenetics, part of Exact Sciences
Classification: Uncertain significance for FRAS1-related condition. Last evaluated: 2024-08-02. Review status: no assertion criteria provided. Collection method: clinical testing. Allele origin: germline. Not counted in ClinVar's aggregate classification.
Comment: The FRAS1 c.3443A>G variant is predicted to result in the amino acid substitution p.Asn1148Ser. To our knowledge, this variant has not been reported in the literature. This variant is reported in 0.0058% of alleles in individuals of Latino descent in gnomAD. At this time, the clinical significance of this variant is uncertain due to the absence of conclusive functional and genetic evidence.

NM_025074.7(FRAS1):c.3443A>G (p.Asn1148Ser)

Gene: FRAS1 (Fraser extracellular matrix complex subunit 1; plus strand). Cytogenetic location: 4q21.21.
Variant type: single nucleotide variant.
Coding change: c.3443A>G on transcript NM_025074.7 (MANE Select); coding-DNA position 3443, A replaced by G.
Protein change: p.Asn1148Ser; replaces asparagine 1148 with serine.
Molecular consequence: missense variant.
Genome position (GRCh38, 1-based): chr4:78,379,876, A>G. VCF-style: chr4-78379876-A-G. GRCh37 (hg19) VCF-style: chr4-79301030-A-G.
Other names: c.3443A>G, p.Asn1148Ser (NM_001166133.2); short protein forms N1148S.
Identifiers: ClinVar variation 3351217 (VCV003351217.2).